The following is an entry in ClinVar:

NM_000277.3(PAH):c.1112A>G (p.Lys371Arg)

Gene: PAH (phenylalanine hydroxylase; minus strand). Cytogenetic location: 12q23.2.
Variant type: single nucleotide variant.
Coding change: c.1112A>G on transcript NM_000277.3 (MANE Select); coding-DNA position 1112, A replaced by G.
Protein change: p.Lys371Arg; replaces lysine 371 with arginine.
Molecular consequence: missense variant.
Genome position (GRCh38, 1-based): chr12:102,843,733, T>C on the plus strand (A>G on the coding strand, the complement: PAH is on the minus strand). VCF-style: chr12-102843733-T-C. GRCh37 (hg19) VCF-style: chr12-103237511-T-C.
Other names: c.1112A>G, p.Lys371Arg (NM_001354304.2); short protein forms K371R.
Identifiers: ClinVar variation 102527 (VCV000102527.2), dbSNP rs62507268, ClinGen allele CA229348.
Genomic context (GRCh38, chr12:102,843,733, plus strand): 5'-CTCTCTGCCACGTAATAGAGGGGCTGGAACTCCGTGACAGTGTAATTTTGGATGGCTGTC[T>C]TCTCCAGCTCCAGGGGGAGAAGCTTTGGCTTCTCTGATAAGCAGTACTGTAGGCCCCAAG-3'
Protein context (NP_000268.1, residues 361-381): KPKLLPLELE[Lys371Arg]TAIQNYTVTE

ClinVar aggregate classification (germline): Uncertain significance. Review status: reviewed by expert panel (3 of 4 stars). 2 submissions from 2 submitters: Uncertain significance (1). 1 of the submissions does not count toward it. Last evaluated 2021-04-23.

Conditions:
Phenylketonuria (PKU). Also called: Phenylketonuria (PKU); FOLLING DISEASE; OLIGOPHRENIA PHENYLPYRUVICA; Phenylketonurias. Identifiers: Orphanet 716, MedGen C0031485, MONDO:0009861, OMIM 261600. Disease mechanism: loss of function.

Submissions (2):

ClinGen PAH Variant Curation Expert Panel
Classification: Uncertain significance for Phenylketonuria. Last evaluated: 2021-04-23. Review status: reviewed by expert panel. Criteria: ClinGen PAH ACMG Specifications v1. Collection method: curation. Allele origin: germline. Inheritance: Autosomal recessive inheritance.
Comment: The c.1112A>G (p.Lys371Arg) variant in PAH has been reported in a patient with PKU (BH4 deficiency excluded) (PMID: 23430918, 9169088) detected with pathogenic variant IVS10-11G>A, parental analysis not reported PMID: 9169088. This variant is absent in population databases. Computational evidence is conflicting. In summary, this variant meets criteria to be classified as uncertain significance for PAH. PAH-specific ACMG/AMP criteria applied: PP4_moderate, PM2, PP3_supporting.

DeBelle Laboratory for Biochemical Genetics, MUHC/MCH RESEARCH INSTITUTE
No classification provided. Review status: no classification provided. Collection method: not provided. Allele origin: not provided. Not counted in ClinVar's aggregate classification.